The following is an entry in ClinVar:

ClinVar aggregate classification (germline): Benign/Likely benign. Review status: criteria provided, multiple submitters, no conflicts (2 of 4 stars). 5 submissions from 5 submitters: Benign (2); Likely benign (3). Last evaluated 2026-07-01.

Conditions:
Joubert syndrome 25 (JBTS25). Identifiers: Orphanet 475, MedGen C4084842, MONDO:0014770, OMIM 616781.

Allele frequency attached by ClinVar (database versions not stated): 1000 Genomes Project 0.00160; 1000 Genomes Project 30x 0.00250; ExAC 0.00252; gnomAD exomes 0.00273 and 0.00574; gnomAD 0.00305 and 0.00315; ESP Exome Variant Server 0.00369.
gnomAD v4.1: 7,602 of 1,386,786 alleles (0.55%); highest among the groups gnomAD compares: Non-Finnish European, 0.67%; 19 homozygotes.

Submissions (30):

CeGaT Center for Human Genetics Tuebingen
Classification: Likely benign. Last evaluated: 2026-07-01. Review status: criteria provided, single submitter. Criteria: CeGaT Center For Human Genetics Tuebingen Variant Classification Criteria Version 2. Collection method: clinical testing. Allele origin: germline. Affected: yes. Observed: 17 variant alleles.
Comment: CEP104: BP4, BP7, BS2

Labcorp Genetics (formerly Invitae), Labcorp
Classification: Benign for Joubert syndrome 25. Last evaluated: 2026-02-02. Review status: criteria provided, single submitter. Criteria: Invitae Variant Classification Sherloc (09022015). Collection method: clinical testing. Allele origin: germline.

Mayo Clinic Laboratories, Mayo Clinic
Classification: Benign. Last evaluated: 2025-01-21. Review status: criteria provided, single submitter. Criteria: ACMG Guidelines, 2015. Collection method: clinical testing. Allele origin: germline. Observed: 1 variant allele.
Comment: BS1, BS2, BP4, BP7

Blueprint Genetics
Classification: Likely benign. Last evaluated: 2024-11-21. Review status: criteria provided, single submitter. Criteria: ACMG Guidelines, 2015. Collection method: clinical testing. Allele origin: germline.

Breakthrough Genomics
Classification: Likely benign. Review status: criteria provided, single submitter. Criteria: ACMG Guidelines, 2015. Collection method: not provided. Allele origin: germline. Inheritance: Autosomal recessive inheritance. Affected: yes.

Dr. Peter K. Rogan Lab, Western University
No classification provided (evidence only). Condition: Clear cell carcinoma of kidney. Review status: no classification provided. Collection method: in vitro. Allele origin: not applicable. Functional consequence: retained intron. Not counted in ClinVar's aggregate classification.

Dr. Peter K. Rogan Lab, Western University
No classification provided (evidence only). Condition: Lung cancer. Review status: no classification provided. Collection method: in vitro. Allele origin: not applicable. Functional consequence: skipped exon. Not counted in ClinVar's aggregate classification.

Dr. Peter K. Rogan Lab, Western University
No classification provided (evidence only). Condition: Lung cancer. Review status: no classification provided. Collection method: in vitro. Allele origin: not applicable. Functional consequence: skipped exon. Not counted in ClinVar's aggregate classification.

Dr. Peter K. Rogan Lab, Western University
No classification provided (evidence only). Condition: Lung cancer. Review status: no classification provided. Collection method: in vitro. Allele origin: not applicable. Functional consequence: skipped exon. Not counted in ClinVar's aggregate classification.

Dr. Peter K. Rogan Lab, Western University
No classification provided (evidence only). Condition: Lung cancer. Review status: no classification provided. Collection method: in vitro. Allele origin: not applicable. Functional consequence: skipped exon, retained intron. Not counted in ClinVar's aggregate classification.

Dr. Peter K. Rogan Lab, Western University
No classification provided (evidence only). Condition: Melanoma. Review status: no classification provided. Collection method: in vitro. Allele origin: not applicable. Functional consequence: skipped exon, retained intron. Not counted in ClinVar's aggregate classification.

Dr. Peter K. Rogan Lab, Western University
No classification provided (evidence only). Condition: Melanoma. Review status: no classification provided. Collection method: in vitro. Allele origin: not applicable. Functional consequence: skipped exon, retained intron. Not counted in ClinVar's aggregate classification.

Dr. Peter K. Rogan Lab, Western University
No classification provided (evidence only). Condition: Melanoma. Review status: no classification provided. Collection method: in vitro. Allele origin: not applicable. Functional consequence: retained intron. Not counted in ClinVar's aggregate classification.

Dr. Peter K. Rogan Lab, Western University
No classification provided (evidence only). Condition: Familial cancer of breast. Review status: no classification provided. Collection method: in vitro. Allele origin: not applicable. Functional consequence: retained intron. Not counted in ClinVar's aggregate classification.

Dr. Peter K. Rogan Lab, Western University
No classification provided (evidence only). Condition: Familial cancer of breast. Review status: no classification provided. Collection method: in vitro. Allele origin: not applicable. Functional consequence: skipped exon, retained intron. Not counted in ClinVar's aggregate classification.

Dr. Peter K. Rogan Lab, Western University
No classification provided (evidence only). Condition: Familial cancer of breast. Review status: no classification provided. Collection method: in vitro. Allele origin: not applicable. Functional consequence: skipped exon, retained intron. Not counted in ClinVar's aggregate classification.

Dr. Peter K. Rogan Lab, Western University
No classification provided (evidence only). Condition: Acute myeloid leukemia. Review status: no classification provided. Collection method: in vitro. Allele origin: not applicable. Functional consequence: retained intron. Not counted in ClinVar's aggregate classification.

Dr. Peter K. Rogan Lab, Western University
No classification provided (evidence only). Condition: Thyroid cancer, nonmedullary, 1. Review status: no classification provided. Collection method: in vitro. Allele origin: not applicable. Functional consequence: retained intron. Not counted in ClinVar's aggregate classification.

Dr. Peter K. Rogan Lab, Western University
No classification provided (evidence only). Condition: Thyroid cancer, nonmedullary, 1. Review status: no classification provided. Collection method: in vitro. Allele origin: not applicable. Functional consequence: skipped exon, retained intron. Not counted in ClinVar's aggregate classification.

Dr. Peter K. Rogan Lab, Western University
No classification provided (evidence only). Condition: Thyroid cancer, nonmedullary, 1. Review status: no classification provided. Collection method: in vitro. Allele origin: not applicable. Functional consequence: retained intron. Not counted in ClinVar's aggregate classification.

Dr. Peter K. Rogan Lab, Western University
No classification provided (evidence only). Condition: Thyroid cancer, nonmedullary, 1. Review status: no classification provided. Collection method: in vitro. Allele origin: not applicable. Functional consequence: skipped exon. Not counted in ClinVar's aggregate classification.

Dr. Peter K. Rogan Lab, Western University
No classification provided (evidence only). Condition: Thyroid cancer, nonmedullary, 1. Review status: no classification provided. Collection method: in vitro. Allele origin: not applicable. Functional consequence: skipped exon. Not counted in ClinVar's aggregate classification.

Dr. Peter K. Rogan Lab, Western University
No classification provided (evidence only). Condition: Sarcoma. Review status: no classification provided. Collection method: in vitro. Allele origin: not applicable. Functional consequence: skipped exon, retained intron. Not counted in ClinVar's aggregate classification.

Dr. Peter K. Rogan Lab, Western University
No classification provided (evidence only). Condition: Malignant lymphoma, large B-cell, diffuse. Review status: no classification provided. Collection method: in vitro. Allele origin: not applicable. Functional consequence: retained intron. Not counted in ClinVar's aggregate classification.

Dr. Peter K. Rogan Lab, Western University
No classification provided (evidence only). Condition: Adrenocortical carcinoma, hereditary. Review status: no classification provided. Collection method: in vitro. Allele origin: not applicable. Functional consequence: retained intron. Not counted in ClinVar's aggregate classification.

Dr. Peter K. Rogan Lab, Western University
No classification provided (evidence only). Condition: Malignant tumor of urinary bladder. Review status: no classification provided. Collection method: in vitro. Allele origin: not applicable. Functional consequence: retained intron. Not counted in ClinVar's aggregate classification.

Dr. Peter K. Rogan Lab, Western University
No classification provided (evidence only). Condition: Malignant tumor of urinary bladder. Review status: no classification provided. Collection method: in vitro. Allele origin: not applicable. Functional consequence: skipped exon. Not counted in ClinVar's aggregate classification.

Dr. Peter K. Rogan Lab, Western University
No classification provided (evidence only). Condition: Malignant tumor of urinary bladder. Review status: no classification provided. Collection method: in vitro. Allele origin: not applicable. Functional consequence: retained intron. Not counted in ClinVar's aggregate classification.

Dr. Peter K. Rogan Lab, Western University
No classification provided (evidence only). Condition: Clear cell carcinoma of kidney. Review status: no classification provided. Collection method: in vitro. Allele origin: not applicable. Functional consequence: skipped exon, retained intron. Not counted in ClinVar's aggregate classification.

Dr. Peter K. Rogan Lab, Western University
No classification provided (evidence only). Condition: Clear cell carcinoma of kidney. Review status: no classification provided. Collection method: in vitro. Allele origin: not applicable. Functional consequence: retained intron. Not counted in ClinVar's aggregate classification.

NM_014704.4(CEP104):c.1308A>T (p.Gly436=)

Gene: CEP104 (centrosomal protein 104; minus strand). Cytogenetic location: 1p36.32.
Variant type: single nucleotide variant.
Coding change: c.1308A>T on transcript NM_014704.4 (MANE Select); coding-DNA position 1308, A replaced by T.
Protein change: p.Gly436=; no amino-acid change (glycine 436 retained).
Molecular consequence: synonymous variant.
Genome position (GRCh38, 1-based): chr1:3,836,504, T>A on the plus strand (A>T on the coding strand, the complement: CEP104 is on the minus strand). VCF-style: chr1-3836504-T-A. GRCh37 (hg19) VCF-style: chr1-3753068-T-A.
Other names: p.Gly436=.
Identifiers: ClinVar variation 475456 (VCV000475456.48), dbSNP rs148455387, ClinGen allele CA551669.